The following is an entry in ClinVar:

ClinVar aggregate classification (germline): Uncertain significance (1 of 4 stars; one submission).

Submission:

Dasa
Classification: Uncertain significance. Last evaluated: 2025-08-18. Review status: criteria provided, single submitter. Criteria: DASA Assertion Criteria. Collection method: clinical testing. Allele origin: germline.
Comment: NM_001374269.1(DNM1):c.2535-7C>T is a splice-region variant. This variant is rare in population databases. The currently available literature and clinical evidence are not sufficient to establish a definitive association between this variant and the reported condition. Therefore, this variant is classified as a variant of uncertain significance.

NM_004408.4(DNM1):c.2535-652C>T

Gene: DNM1 (dynamin 1; plus strand). Cytogenetic location: 9q34.11.
Variant type: single nucleotide variant.
Coding change: c.2535-652C>T on transcript NM_004408.4 (MANE Select); 652 bases into the intron before coding-DNA position 2535, C replaced by T.
Molecular consequence: intron variant.
Genome position (GRCh38, 1-based): chr9:128,254,002, C>T. VCF-style: chr9-128254002-C-T. GRCh37 (hg19) VCF-style: chr9-131016281-C-T.
Other names: c.*16-652C>T (NM_001005336.3, NM_001288737.2); c.2535-7C>T (NM_001374269.1); c.*16-7C>T (NM_001288738.2); c.2535-652C>T (NM_001288739.2).
Identifiers: ClinVar variation 4885111 (VCV004885111.2).